The following is an entry in ClinVar:

ClinVar aggregate classification (germline): Uncertain significance (1 of 4 stars; one submission).

Conditions:
PKD1L1-related disorder. Also called: PKD1L1-related condition.

Submission:

PreventionGenetics, part of Exact Sciences
Classification: Uncertain significance for PKD1L1-related condition. Last evaluated: 2025-11-26. Review status: criteria provided, single submitter. Criteria: ACMG Guidelines, 2015. Collection method: clinical testing. Allele origin: germline.
Comment: The PKD1L1 c.7576C>T variant is predicted to result in the amino acid substitution p.Pro2526Ser. To our knowledge, this variant has not been reported in the literature or in a large population database (gnomAD), indicating this variant is rare. At this time, the clinical significance of this variant is uncertain due to the absence of conclusive functional and genetic evidence.

NM_138295.5(PKD1L1):c.7576C>T (p.Pro2526Ser)

Genes: PKD1L1 (polycystin 1 like 1, transient receptor potential channel interacting; minus strand), PKD1L1-AS1 (PKD1L1 antisense RNA 1; plus strand). Cytogenetic location: 7p12.3.
Variant type: single nucleotide variant.
Coding change: c.7576C>T on transcript NM_138295.5 (MANE Select); coding-DNA position 7576, C replaced by T.
Protein change: p.Pro2526Ser; replaces proline 2526 with serine.
Molecular consequence: missense variant.
Genome position (GRCh38, 1-based): chr7:47,811,822, G>A on the plus strand (C>T on the coding strand, the complement: PKD1L1 is on the minus strand). VCF-style: chr7-47811822-G-A. GRCh37 (hg19) VCF-style: chr7-47851420-G-A.
Other names: short protein forms P2526S.
Identifiers: ClinVar variation 4993863 (VCV004993863.1).